The following is an entry in ClinVar:

NM_032119.4(ADGRV1):c.15669G>A (p.Gly5223=)

Gene: ADGRV1 (adhesion G protein-coupled receptor V1; plus strand). Cytogenetic location: 5q14.3.
Variant type: single nucleotide variant.
Coding change: c.15669G>A on transcript NM_032119.4 (MANE Select); coding-DNA position 15669, G replaced by A.
Protein change: p.Gly5223=; no amino-acid change (glycine 5223 retained).
Molecular consequence: synonymous variant. On other transcripts: non-coding transcript variant (1).
Genome position (GRCh38, 1-based): chr5:90,810,929, G>A. VCF-style: chr5-90810929-G-A. GRCh37 (hg19) VCF-style: chr5-90106746-G-A.
Identifiers: ClinVar variation 597166 (VCV000597166.50), dbSNP rs61741955, ClinGen allele CA3341960.

ClinVar aggregate classification (germline): Benign/Likely benign. Review status: criteria provided, multiple submitters, no conflicts (2 of 4 stars). 7 submissions from 7 submitters: Benign (3); Likely benign (4). Last evaluated 2026-01-20.

Conditions:
Usher syndrome type 2C. Also called: USHER SYNDROME, TYPE IIC; Usher syndrome, type 2B. Identifiers: Orphanet 231178, Orphanet 886, MedGen C2931213, MONDO:0011558, OMIM 605472.

Allele frequency attached by ClinVar (database versions not stated): gnomAD 0.00137 and 0.00145; TOPMed 0.00153; 1000 Genomes Project 0.00160; 1000 Genomes Project 30x 0.00172; ExAC 0.00040; ESP Exome Variant Server 0.00074.
gnomAD v4.1: 434 of 1,613,978 alleles (0.027%); highest among the groups gnomAD compares: African/African-American, 0.44%; 3 homozygotes.

Submissions (7):

Labcorp Genetics (formerly Invitae), Labcorp
Classification: Benign. Last evaluated: 2026-01-20. Review status: criteria provided, single submitter. Criteria: Invitae Variant Classification Sherloc (09022015). Collection method: clinical testing. Allele origin: germline.

Illumina Laboratory Services, Illumina
Classification: Benign for Usher syndrome type 2C. Last evaluated: 2025-04-08. Review status: criteria provided, single submitter. Criteria: ICSLVariantClassificationCriteria RUGD 01 April 2020. Collection method: clinical testing. Allele origin: unknown.

Blueprint Genetics
Classification: Likely benign. Last evaluated: 2024-09-02. Review status: criteria provided, single submitter. Criteria: ACMG Guidelines, 2015. Collection method: clinical testing. Allele origin: germline.

CeGaT Center for Human Genetics Tuebingen
Classification: Likely benign. Last evaluated: 2022-10-01. Review status: criteria provided, single submitter. Criteria: CeGaT Center For Human Genetics Tuebingen Variant Classification Criteria Version 2. Collection method: clinical testing. Allele origin: germline. Affected: yes. Observed: 1 variant allele.
Comment: ADGRV1: BP4, BP7

GeneDx
Classification: Benign. Last evaluated: 2021-01-26. Review status: criteria provided, single submitter. Criteria: GeneDx Variant Classification Process June 2021. Collection method: clinical testing. Allele origin: germline. Affected: yes.

Eurofins Ntd Llc (ga)
Classification: Likely benign. Last evaluated: 2018-05-29. Review status: criteria provided, single submitter. Criteria: EGL ClinVar v180209 classification definitions. Collection method: clinical testing. Allele origin: germline. Observed: 1 variant allele, 1 heterozygote.

Laboratory for Molecular Medicine, Mass General Brigham Personalized Medicine
Classification: Likely benign. Last evaluated: 2012-04-30. Review status: criteria provided, single submitter. Criteria: LMM Criteria. Collection method: clinical testing. Allele origin: germline. Observed: 1 variant allele.
Comment: Gly5223Gly in Exon 74 of GPR98: This variant is not expected to have clinical significance because it does not alter an amino acid residue, is not located within the splice consensus sequence, and has been identified in 0.3% (10/3142) of African American chromosomes from a broad population by the NHLBI Exome Sequencing Project (dbSNP rs61741955).